The following is an entry in ClinVar:

ClinVar aggregate classification (germline): Uncertain significance. Review status: criteria provided, multiple submitters, no conflicts (2 of 4 stars). 2 submissions from 2 submitters: Uncertain significance (2). Last evaluated 2025-08-24.

Conditions:
Inborn genetic diseases. Identifiers: MedGen C0950123, MeSH D030342.

Allele frequency attached by ClinVar (database versions not stated): gnomAD exomes 0.00001 and 0.00002; ExAC 0.00003; gnomAD 0.00005 and 0.00006; 1000 Genomes Project 30x 0.00016; 1000 Genomes Project 0.00020.
gnomAD v4.1: 30 of 1,614,168 alleles (0.0019%); highest among the groups gnomAD compares: Admixed American, 0.0083%; no homozygotes.

Submissions (2):

Ambry Genetics
Classification: Uncertain significance for Inborn genetic diseases. Last evaluated: 2025-08-24. Review status: criteria provided, single submitter. Criteria: Ambry Variant Classification Scheme 2023. Collection method: clinical testing. Allele origin: germline.

Labcorp Genetics (formerly Invitae), Labcorp
Classification: Uncertain significance. Last evaluated: 2021-08-18. Review status: criteria provided, single submitter. Criteria: Invitae Variant Classification Sherloc (09022015). Collection method: clinical testing. Allele origin: germline.
Comment: This sequence change replaces asparagine with aspartic acid at codon 479 of the GPC6 protein (p.Asn479Asp). The asparagine residue is moderately conserved and there is a small physicochemical difference between asparagine and aspartic acid. This variant is present in population databases (rs548563978, ExAC 0.009%). This variant has not been reported in the literature in individuals affected with GPC6-related conditions. Algorithms developed to predict the effect of missense changes on protein structure and function (SIFT, PolyPhen-2, Align-GVGD) all suggest that this variant is likely to be tolerated. In summary, the available evidence is currently insufficient to determine the role of this variant in disease. Therefore, it has been classified as a Variant of Uncertain Significance.

NM_005708.5(GPC6):c.1435A>G (p.Asn479Asp)

Gene: GPC6 (glypican 6; plus strand). Cytogenetic location: 13q31.3.
Variant type: single nucleotide variant.
Coding change: c.1435A>G on transcript NM_005708.5 (MANE Select); coding-DNA position 1435, A replaced by G.
Protein change: p.Asn479Asp; replaces asparagine 479 with aspartic acid.
Molecular consequence: missense variant.
Genome position (GRCh38, 1-based): chr13:94,398,611, A>G. VCF-style: chr13-94398611-A-G. GRCh37 (hg19) VCF-style: chr13-95050865-A-G.
Other names: c.1435A>G (NM_005708.3); short protein forms N479D.
Identifiers: ClinVar variation 1372299 (VCV001372299.5), dbSNP rs548563978, ClinGen allele CA7017178.